The following is an entry in ClinVar:

ClinVar aggregate classification (germline): Pathogenic. Review status: criteria provided, multiple submitters, no conflicts (2 of 4 stars). 5 submissions from 5 submitters: Pathogenic (4). 1 of the submissions does not count toward it. Last evaluated 2026-01-29.

Conditions:
Finnish congenital nephrotic syndrome (NPHS1). Also called: NEPHROTIC SYNDROME, TYPE 1. Identifiers: Orphanet 839, MedGen C0403399, MONDO:0009732, OMIM 256300.

Submissions (5):

Natera, Inc.
Classification: Pathogenic for Finnish congenital nephrotic syndrome. Last evaluated: 2026-01-29. Review status: criteria provided, single submitter. Criteria: Natera Variant Classification Schema (03/2026). Collection method: clinical testing. Allele origin: germline.
Comment: The c.3061dupG variant in NPHS1 is a frameshift variant predicted to shift the reading frame beginning at codon 1021 and leads to a stop codon 6 codons downstream. This variant is expected to result in nonsense mediated decay, truncation, or a dysfunctional protein product. This variant is rare in the general population with a frequency below the threshold expected for the associated phenotype(s). This variant has been observed in one or more individuals affected with the associated recessive disease, as either homozygous or compound heterozygous with a second variant (PMID: 28117080). Given the available evidence, this variant is classified as Pathogenic.

MVZ Medizinische Genetik Mainz
Classification: Pathogenic for Finnish congenital nephrotic syndrome. Last evaluated: 2025-07-22. Review status: criteria provided, single submitter. Criteria: UK Practice Guidelines For Variant Classification V4 01 2020. Collection method: clinical testing. Allele origin: germline. Inheritance: Autosomal recessive inheritance. Affected: yes. Observed: 1 variant allele.
Comment: ACMG Criteria: PVS1,PM2_SUP,PM3_SUP,PP4

Labcorp Genetics (formerly Invitae), Labcorp
Classification: Pathogenic. Last evaluated: 2023-07-16. Review status: criteria provided, single submitter. Criteria: Invitae Variant Classification Sherloc (09022015). Collection method: clinical testing. Allele origin: germline.
Comment: For these reasons, this variant has been classified as Pathogenic. ClinVar contains an entry for this variant (Variation ID: 554509). This premature translational stop signal has been observed in individual(s) with nephrotic syndrome (PMID: 28117080). This variant is present in population databases (rs34124941, gnomAD 0.0009%). This sequence change creates a premature translational stop signal (p.Asp1021Glyfs*6) in the NPHS1 gene. It is expected to result in an absent or disrupted protein product. Loss-of-function variants in NPHS1 are known to be pathogenic (PMID: 11317351, 11854170, 12039988).

Baylor Genetics
Classification: Pathogenic for Finnish congenital nephrotic syndrome. Last evaluated: 2023-03-23. Review status: criteria provided, single submitter. Criteria: ACMG Guidelines, 2015. Collection method: clinical testing. Allele origin: unknown.

Counsyl
Classification: Likely pathogenic for Finnish congenital nephrotic syndrome. Last evaluated: 2017-10-24. Review status: no assertion criteria provided. Collection method: clinical testing. Allele origin: unknown. Not counted in ClinVar's aggregate classification.

Literature cited by the submitters: PubMed 28117080 (cited by 3 submitters); PubMed 11317351 (cited by Labcorp Genetics (formerly Invitae), Labcorp); PubMed 11854170 (cited by Labcorp Genetics (formerly Invitae), Labcorp); PubMed 12039988 (cited by Labcorp Genetics (formerly Invitae), Labcorp).

NM_004646.4(NPHS1):c.3061dup (p.Asp1021fs)

Gene: NPHS1 (NPHS1 adhesion molecule, nephrin; minus strand). Cytogenetic location: 19q13.12.
Variant type: Duplication.
Coding change: c.3061dup on transcript NM_004646.4 (MANE Select); coding-DNA position 3061, one base duplicated (G; older notation c.3061dupG).
Protein change: p.Asp1021fs; shifts the reading frame from aspartic acid 1021.
Molecular consequence: frameshift variant.
Genome position (GRCh38, 1-based): chr19:35,839,285, C duplicated on the plus strand (G on the coding strand, the reverse complement: NPHS1 is on the minus strand); the first of 5 consecutive C bases (chr19:35,839,285-35,839,289); duplicating any one gives the same sequence. VCF-style (leftmost placement, unchanged base first): chr19-35839284-T-TC. GRCh37 (hg19) VCF-style: chr19-36330186-T-TC.
Other names: c.3061dupG (NM_004646.3); short protein forms D1021fs.
Identifiers: ClinVar variation 554509 (VCV000554509.8), dbSNP rs34124941, ClinGen allele CA307780432.